The following is an entry in ClinVar:

ClinVar aggregate classification (germline): Pathogenic/Likely pathogenic. Review status: criteria provided, multiple submitters, no conflicts (2 of 4 stars). 4 submissions from 4 submitters: Pathogenic (1); Likely pathogenic (3). Last evaluated 2026-03-17.

Conditions:
Congenital myasthenic syndrome 3C. Also called: Myasthenic syndrome, congenital, 3c, associated with acetylcholine receptor deficiency. Identifiers: Orphanet 590, MedGen C4225370, MONDO:0014585, OMIM 616323.
Lethal multiple pterygium syndrome (LMPS). Identifiers: Orphanet 33108, MedGen C1854678, MONDO:0009668, OMIM 253290.

Allele frequency attached by ClinVar (database versions not stated): gnomAD 0.00013 and 0.00014; gnomAD exomes 0.00027 and 0.00016; ExAC 0.00045; TOPMed 0.00015.

Submissions (4):

GeneDx
Classification: Likely pathogenic. Last evaluated: 2026-03-17. Review status: criteria provided, single submitter. Criteria: GeneDx Variant Classification Process June 2021. Collection method: clinical testing. Allele origin: germline.
Comment: Canonical splice site variant predicted to result in a null allele in a gene for which loss of function is a known mechanism of disease; This variant is associated with the following publications: (PMID: 32070632, 26698174)

Labcorp Genetics (formerly Invitae), Labcorp
Classification: Likely pathogenic for Lethal multiple pterygium syndrome. Last evaluated: 2025-10-14. Review status: criteria provided, single submitter. Criteria: Invitae Variant Classification Sherloc (09022015). Collection method: clinical testing. Allele origin: germline.
Comment: This sequence change affects an acceptor splice site in intron 7 of the CHRND gene. It is expected to disrupt RNA splicing. Variants that disrupt the donor or acceptor splice site typically lead to a loss of protein function (PMID: 16199547), and loss-of-function variants in CHRND are known to be pathogenic (PMID: 11435464, 25264167). This variant is present in population databases (rs762875734, gnomAD 0.05%). Disruption of this splice site has been observed in individual(s) with autosomal recessive congenital myasthenic syndrome (PMID: 32070632). ClinVar contains an entry for this variant (Variation ID: 645129). Algorithms developed to predict the effect of sequence changes on RNA splicing suggest that this variant may disrupt the consensus splice site. In summary, the currently available evidence indicates that the variant is pathogenic, but additional data are needed to prove that conclusively. Therefore, this variant has been classified as Likely Pathogenic.

Clinical Genetics Laboratory, Skane University Hospital Lund
Classification: Likely pathogenic. Last evaluated: 2023-07-21. Review status: criteria provided, single submitter. Criteria: ACMG Guidelines, 2015. Collection method: clinical testing. Allele origin: germline. Affected: yes.

Baylor Genetics
Classification: Pathogenic for Congenital myasthenic syndrome 3C. Last evaluated: 2021-01-29. Review status: criteria provided, single submitter. Criteria: ACMG Guidelines, 2015. Collection method: clinical testing. Allele origin: unknown.

Literature cited by the submitters: PubMed 16199547 (cited by Labcorp Genetics (formerly Invitae), Labcorp); PubMed 11435464 (cited by Labcorp Genetics (formerly Invitae), Labcorp); PubMed 25264167 (cited by Labcorp Genetics (formerly Invitae), Labcorp); PubMed 32070632 (cited by Labcorp Genetics (formerly Invitae), Labcorp).

NM_000751.3(CHRND):c.821-2A>C

Gene: CHRND (cholinergic receptor nicotinic delta subunit; plus strand). Cytogenetic location: 2q37.1.
Variant type: single nucleotide variant.
Coding change: c.821-2A>C on transcript NM_000751.3 (MANE Select); the canonical splice acceptor site of the intron before coding-DNA position 821, A replaced by C.
Molecular consequence: splice acceptor variant.
Genome position (GRCh38, 1-based): chr2:232,531,350, A>C. VCF-style: chr2-232531350-A-C. GRCh37 (hg19) VCF-style: chr2-233396060-A-C.
Other names: c.239-2A>C (NM_001311195.2); c.518-2A>C (NM_001311196.2); c.776-2A>C (NM_001256657.2).
Identifiers: ClinVar variation 645129 (VCV000645129.9), dbSNP rs762875734, ClinGen allele CA2168172.